The following is an entry in ClinVar:

ClinVar aggregate classification (germline): Pathogenic (1 of 4 stars; one submission).

Conditions:
Neurofibromatosis, type 1 (NF1). Also called: Neurofibromatosis, type I; VON RECKLINGHAUSEN DISEASE; NEUROFIBROMATOSIS, TYPE I, SOMATIC; Peripheral type neurofibromatosis. Identifiers: Orphanet 636, MedGen C0027831, MONDO:0018975, OMIM 162200. Disease mechanism: loss of function.

Submission:

Labcorp Genetics (formerly Invitae), Labcorp
Classification: Pathogenic for Neurofibromatosis, type 1. Last evaluated: 2023-02-25. Review status: criteria provided, single submitter. Criteria: Invitae Variant Classification Sherloc (09022015). Collection method: clinical testing. Allele origin: germline.
Comment: This sequence change creates a premature translational stop signal (p.Ile812Hisfs*3) in the NF1 gene. It is expected to result in an absent or disrupted protein product. Loss-of-function variants in NF1 are known to be pathogenic (PMID: 10712197, 23913538). For these reasons, this variant has been classified as Pathogenic. This variant has not been reported in the literature in individuals affected with NF1-related conditions. This variant is not present in population databases (gnomAD no frequency).

Literature cited by the submitters: PubMed 10712197; PubMed 23913538.

NM_001042492.3(NF1):c.2433dup (p.Ile812fs)

Gene: NF1 (neurofibromin 1; plus strand). Cytogenetic location: 17q11.2.
Variant type: Duplication.
Coding change: c.2433dup on transcript NM_001042492.3 (MANE Select); coding-DNA position 2433, one base duplicated (C; older notation c.2433dupC).
Protein change: p.Ile812fs; shifts the reading frame from isoleucine 812.
Molecular consequence: frameshift variant.
Genome position (GRCh38, 1-based): chr17:31,229,048, C duplicated; the last of 2 consecutive C bases (chr17:31,229,047-31,229,048); duplicating either gives the same sequence. VCF-style (leftmost placement, unchanged base first): chr17-31229046-A-AC. GRCh37 (hg19) VCF-style: chr17-29556064-A-AC.
Other names: c.2433dup, p.Ile812Hisfs (NM_000267.4); short protein forms I812fs.
Identifiers: ClinVar variation 2840665 (VCV002840665.3), dbSNP rs2508181481, ClinGen allele CA2739267354.